The following is an entry in ClinVar:

NM_152722.5(HEPACAM):c.96G>C (p.Glu32Asp)

Gene: HEPACAM (hepatic and glial cell adhesion molecule; minus strand). Cytogenetic location: 11q24.2.
Variant type: single nucleotide variant.
Coding change: c.96G>C on transcript NM_152722.5 (MANE Select); coding-DNA position 96, G replaced by C.
Protein change: p.Glu32Asp; replaces glutamic acid 32 with aspartic acid.
Molecular consequence: missense variant.
Genome position (GRCh38, 1-based): chr11:124,925,059, C>G on the plus strand (G>C on the coding strand, the complement: HEPACAM is on the minus strand). VCF-style: chr11-124925059-C-G. GRCh37 (hg19) VCF-style: chr11-124794955-C-G.
Other names: c.96G>C (NM_152722.4); short protein forms E32D.
Identifiers: ClinVar variation 1367723 (VCV001367723.8), dbSNP rs768700664, ClinGen allele CA6345817.

ClinVar aggregate classification (germline): Conflicting classifications of pathogenicity. Review status: criteria provided, conflicting classifications (1 of 4 stars). 3 submissions from 3 submitters: Uncertain significance (2); Likely benign (1). Last evaluated 2025-11-28.

Conditions:
Megalencephalic leukoencephalopathy with subcortical cysts 1 (MLC1). Also called: LEUKOENCEPHALOPATHY WITH SWELLING AND CYSTS; VACUOLATING MEGALENCEPHALIC LEUKOENCEPHALOPATHY WITH SUBCORTICAL CYSTS. Identifiers: Orphanet 2478, MedGen C5779875, MONDO:0024555, OMIM 604004.
Megalencephalic leukoencephalopathy with subcortical cysts 2B, remitting, with or without impaired intellectual development. Also called: Megalencephalic leukoencephalopathy with subcortical cysts 2B, remitting, with or without intellectual disability. Identifiers: Orphanet 2478, MedGen C3151356, MONDO:0013491, OMIM 613926.
Megalencephalic leukoencephalopathy with subcortical cysts 2A. Identifiers: Orphanet 2478, MedGen C3151355, MONDO:0013490, OMIM 613925.

Allele frequency attached by ClinVar (database versions not stated): TOPMed 0.00006; gnomAD 0.00003; ExAC 0.00021.
gnomAD v4.1: 57 of 1,590,188 alleles (0.0036%); highest among the groups gnomAD compares: Admixed American, 0.094%; no homozygotes.

Submissions (3):

Labcorp Genetics (formerly Invitae), Labcorp
Classification: Likely benign. Last evaluated: 2025-11-28. Review status: criteria provided, single submitter. Criteria: Invitae Variant Classification Sherloc (09022015). Collection method: clinical testing. Allele origin: germline.

GeneDx
Classification: Uncertain significance. Last evaluated: 2024-02-02. Review status: criteria provided, single submitter. Criteria: GeneDx Variant Classification Process June 2021. Collection method: clinical testing. Allele origin: germline. Affected: yes.
Comment: In silico analysis supports that this missense variant does not alter protein structure/function; Has not been previously published as pathogenic or benign to our knowledge

Fulgent Genetics
Classification: Uncertain significance for Megalencephalic leukoencephalopathy with subcortical cysts 1; Megalencephalic leukoencephalopathy with subcortical cysts 2A; Megalencephalic leukoencephalopathy with subcortical cysts 2B, remitting, with or without impaired intellectual development. Last evaluated: 2021-09-21. Review status: criteria provided, single submitter. Criteria: ACMG Guidelines, 2015. Collection method: clinical testing. Allele origin: unknown.